The following is an entry in ClinVar:

NM_001174147.2(LMX1B):c.883C>A (p.Gln295Lys)

Gene: LMX1B (LIM homeobox transcription factor 1 beta; plus strand). Cytogenetic location: 9q33.3.
Variant type: single nucleotide variant.
Coding change: c.883C>A on transcript NM_001174147.2 (MANE Select); coding-DNA position 883, C replaced by A.
Protein change: p.Gln295Lys; replaces glutamine 295 with lysine.
Molecular consequence: missense variant.
Genome position (GRCh38, 1-based): chr9:126,693,809, C>A. VCF-style: chr9-126693809-C-A. GRCh37 (hg19) VCF-style: chr9-129456088-C-A.
Other names: c.883C>A, p.Gln295Lys (NM_001174146.2, NM_002316.4); short protein forms Q295K.
Identifiers: ClinVar variation 1315701 (VCV001315701.2), dbSNP rs2118993442, ClinGen allele CA374914184.

ClinVar aggregate classification (germline): Uncertain significance (1 of 4 stars; one submission).

Submission:

GeneDx
Classification: Uncertain significance. Last evaluated: 2021-01-04. Review status: criteria provided, single submitter. Criteria: GeneDx Variant Classification Process June 2021. Collection method: clinical testing. Allele origin: germline. Affected: yes.
Comment: Not observed in large population cohorts (Lek et al., 2016); In silico analysis, which includes protein predictors and evolutionary conservation, supports that this variant does not alter protein structure/function; Has not been previously published as pathogenic or benign to our knowledge